The following is an entry in ClinVar:

ClinVar aggregate classification (germline): Uncertain significance (1 of 4 stars; one submission).

Conditions:
Charcot-Marie-Tooth disease type 4. Also called: Charcot-Marie-Tooth disease, type IV; Charcot-Marie-Tooth, Type 4. Identifiers: Orphanet 64749, MedGen C4082197, MONDO:0018995.

Allele frequency attached by ClinVar (database versions not stated): TOPMed below 0.00001; gnomAD exomes 0.00001; ExAC 0.00003.
gnomAD v4.1: 17 of 1,614,112 alleles (0.0011%); highest among the groups gnomAD compares: Middle Eastern, 0.033%; no homozygotes.

Submission:

Labcorp Genetics (formerly Invitae), Labcorp
Classification: Uncertain significance for Charcot-Marie-Tooth disease type 4. Last evaluated: 2022-03-18. Review status: criteria provided, single submitter. Criteria: Invitae Variant Classification Sherloc (09022015). Collection method: clinical testing. Allele origin: germline.
Comment: This sequence change replaces glutamic acid, which is acidic and polar, with lysine, which is basic and polar, at codon 571 of the PRX protein (p.Glu571Lys). This variant is present in population databases (rs761264097, gnomAD 0.005%). This variant has not been reported in the literature in individuals affected with PRX-related conditions. Algorithms developed to predict the effect of missense changes on protein structure and function are either unavailable or do not agree on the potential impact of this missense change (SIFT: "Tolerated"; PolyPhen-2: "Possibly Damaging"; Align-GVGD: "Class C0"). In summary, the available evidence is currently insufficient to determine the role of this variant in disease. Therefore, it has been classified as a Variant of Uncertain Significance.

NM_181882.3(PRX):c.1711G>A (p.Glu571Lys)

Gene: PRX (periaxin; minus strand). Cytogenetic location: 19q13.2.
Variant type: single nucleotide variant.
Coding change: c.1711G>A on transcript NM_181882.3 (MANE Select); coding-DNA position 1711, G replaced by A.
Protein change: p.Glu571Lys; replaces glutamic acid 571 with lysine.
Molecular consequence: missense variant. On other transcripts: 3 prime UTR variant (1).
Genome position (GRCh38, 1-based): chr19:40,396,641, C>T on the plus strand (G>A on the coding strand, the complement: PRX is on the minus strand). VCF-style: chr19-40396641-C-T. GRCh37 (hg19) VCF-style: chr19-40902548-C-T.
Other names: c.1996G>A, p.Glu666Lys (NM_001411127.1); c.*1916G>A (NM_020956.2); short protein forms E571K, E666K.
Identifiers: ClinVar variation 1985361 (VCV001985361.1), dbSNP rs761264097, ClinGen allele CA9444211.